The following is an entry in ClinVar:

ClinVar aggregate classification (germline): Uncertain significance (1 of 4 stars; one submission).

Conditions:
Muscular dystrophy-dystroglycanopathy (congenital with brain and eye anomalies), type A9. Also called: WALKER-WARBURG SYNDROME OR MUSCLE-EYE BRAIN DISEASE, DAG1-RELATED; Muscular dystrophy-dystroglycanopathy (congenital with brain and eye anomalies), type a, 9. Identifiers: Orphanet 370997, Orphanet 899, MedGen C4225291, MONDO:0014683, OMIM 616538.
Autosomal recessive limb-girdle muscular dystrophy type 2P. Also called: Limb-Girdle Muscular Dystrophy Type 9C; MUSCULAR DYSTROPHY, LIMB-GIRDLE, TYPE 2P; MUSCULAR DYSTROPHY-DYSTROGLYCANOPATHY, LIMB-GIRDLE, DAG1-RELATED. Identifiers: Orphanet 280333, MedGen C4511963, MONDO:0013440, OMIM 613818.

Allele frequency attached by ClinVar (database versions not stated): ExAC 0.00001; gnomAD exomes 0.00001 and 0.00002.
gnomAD v4.1: 13 of 1,614,224 alleles (0.00081%); highest among the groups gnomAD compares: Non-Finnish European, 0.0011%; no homozygotes.

Submission:

Labcorp Genetics (formerly Invitae), Labcorp
Classification: Uncertain significance for Autosomal recessive limb-girdle muscular dystrophy type 2P; Muscular dystrophy-dystroglycanopathy (congenital with brain and eye anomalies), type A9. Last evaluated: 2020-09-25. Review status: criteria provided, single submitter. Criteria: Invitae Variant Classification Sherloc (09022015). Collection method: clinical testing. Allele origin: germline.
Comment: This sequence change replaces threonine with isoleucine at codon 482 of the DAG1 protein (p.Thr482Ile). The threonine residue is moderately conserved and there is a moderate physicochemical difference between threonine and isoleucine. This variant is present in population databases (rs753581815, ExAC 0.002%). This variant has not been reported in the literature in individuals with DAG1-related conditions. Algorithms developed to predict the effect of missense changes on protein structure and function are either unavailable or do not agree on the potential impact of this missense change (SIFT: Deleterious; PolyPhen-2: Possibly Damaging; Align-GVGD: Class C0). In summary, the available evidence is currently insufficient to determine the role of this variant in disease. Therefore, it has been classified as a Variant of Uncertain Significance.

NM_004393.6(DAG1):c.1445C>T (p.Thr482Ile)

Gene: DAG1 (dystroglycan 1; plus strand). Cytogenetic location: 3p21.31.
Variant type: single nucleotide variant.
Coding change: c.1445C>T on transcript NM_004393.6 (MANE Select); coding-DNA position 1445, C replaced by T.
Protein change: p.Thr482Ile; replaces threonine 482 with isoleucine.
Molecular consequence: missense variant.
Genome position (GRCh38, 1-based): chr3:49,531,956, C>T. VCF-style: chr3-49531956-C-T. GRCh37 (hg19) VCF-style: chr3-49569389-C-T.
Other names: c.1445C>T, p.Thr482Ile (NM_001165928.4, NM_001177634.3, NM_001177635.3 and 9 more transcripts); short protein forms T482I.
Identifiers: ClinVar variation 1059244 (VCV001059244.1), dbSNP rs753581815, ClinGen allele CA2399084.